The following is an entry in ClinVar:

NM_000443.4(ABCB4):c.1994A>G (p.His665Arg)

Gene: ABCB4 (ATP binding cassette subfamily B member 4; minus strand). Cytogenetic location: 7q21.12.
Variant type: single nucleotide variant.
Coding change: c.1994A>G on transcript NM_000443.4 (MANE Select); coding-DNA position 1994, A replaced by G.
Protein change: p.His665Arg; replaces histidine 665 with arginine.
Molecular consequence: missense variant.
Genome position (GRCh38, 1-based): chr7:87,426,820, T>C on the plus strand (A>G on the coding strand, the complement: ABCB4 is on the minus strand). VCF-style: chr7-87426820-T-C. GRCh37 (hg19) VCF-style: chr7-87056136-T-C.
Other names: c.1994A>G, p.His665Arg (NM_018849.3, NM_018850.3); short protein forms H665R.
Identifiers: ClinVar variation 4881255 (VCV004881255.2).
Genomic context (GRCh38, chr7:87,426,820, plus strand): 5'-GTTTCCACATCAAGGCTCTTCTGACACATTTGTGAATTTTTAAGGTTTTTCTGAGTAGAA[T>C]GCCTAAATAGGCGAGATTTCCAGCCATTTGGGGCCATTCTAGTGGCAGCCTTTTCATCAT-3'
Protein context (NP_000434.1, residues 655-675): PNGWKSRLFR[His665Arg]STQKNLKNSQ

ClinVar aggregate classification (germline): Uncertain significance (1 of 4 stars; one submission).

gnomAD v4.1: 3 of 1,613,952 alleles (0.00019%); highest among the groups gnomAD compares: African/African-American, 0.004%; no homozygotes.

Submission:

Dasa
Classification: Uncertain significance. Last evaluated: 2024-11-14. Review status: criteria provided, single submitter. Criteria: DASA Assertion Criteria. Collection method: clinical testing. Allele origin: germline.
Comment: NM_000443.4(ABCB4):c.1994A>G (p.His665Arg) is a missense variant that results in the substitution of histidine with arginine. This variant is rare in population databases. Computational prediction algorithms are consistent with a benign effect. The currently available literature and clinical evidence are not sufficient to establish a definitive association between this variant and the reported condition. Therefore, this variant is classified as a variant of uncertain significance.